The following is an entry in ClinVar:

ClinVar aggregate classification (germline): Uncertain significance. Review status: criteria provided, multiple submitters, no conflicts (2 of 4 stars). 2 submissions from 2 submitters: Uncertain significance (2). Last evaluated 2025-06-18.

Conditions:
Inborn genetic diseases. Identifiers: MedGen C0950123, MeSH D030342.

Allele frequency attached by ClinVar (database versions not stated): ExAC 0.00002; gnomAD 0.00002; TOPMed 0.00002; ESP Exome Variant Server 0.00008.
gnomAD v4.1: 46 of 1,597,666 alleles (0.0029%); highest among the groups gnomAD compares: South Asian, 0.017%; 1 homozygote.

Submissions (2):

Ambry Genetics
Classification: Uncertain significance for Inborn genetic diseases. Last evaluated: 2025-06-18. Review status: criteria provided, single submitter. Criteria: Ambry Variant Classification Scheme 2023. Collection method: clinical testing. Allele origin: germline.

Labcorp Genetics (formerly Invitae), Labcorp
Classification: Uncertain significance. Last evaluated: 2022-07-10. Review status: criteria provided, single submitter. Criteria: Invitae Variant Classification Sherloc (09022015). Collection method: clinical testing. Allele origin: germline.
Comment: This sequence change replaces arginine, which is basic and polar, with cysteine, which is neutral and slightly polar, at codon 406 of the GPR179 protein (p.Arg406Cys). The frequency data for this variant in the population databases is considered unreliable, as metrics indicate poor data quality at this position in the gnomAD database. This variant has not been reported in the literature in individuals affected with GPR179-related conditions. Algorithms developed to predict the effect of missense changes on protein structure and function are either unavailable or do not agree on the potential impact of this missense change (SIFT: "Deleterious"; PolyPhen-2: "Probably Damaging"; Align-GVGD: "Class C15"). In summary, the available evidence is currently insufficient to determine the role of this variant in disease. Therefore, it has been classified as a Variant of Uncertain Significance.

NM_001004334.4(GPR179):c.1216C>T (p.Arg406Cys)

Gene: GPR179 (G protein-coupled receptor 179; minus strand). Cytogenetic location: 17q12.
Variant type: single nucleotide variant.
Coding change: c.1216C>T on transcript NM_001004334.4 (MANE Select); coding-DNA position 1216, C replaced by T.
Protein change: p.Arg406Cys; replaces arginine 406 with cysteine.
Molecular consequence: missense variant.
Genome position (GRCh38, 1-based): chr17:38,336,989, G>A on the plus strand (C>T on the coding strand, the complement: GPR179 is on the minus strand). VCF-style: chr17-38336989-G-A. GRCh37 (hg19) VCF-style: chr17-36492872-G-A.
Other names: c.1216C>T (NM_001004334.2); short protein forms R406C.
Identifiers: ClinVar variation 1903786 (VCV001903786.3), dbSNP rs373472248, ClinGen allele CA290109289.